The following is an entry in ClinVar:

ClinVar aggregate classification (germline): Uncertain significance (1 of 4 stars; one submission).

Conditions:
Congenital adrenal hyperplasia due to cytochrome P450 oxidoreductase deficiency. Also called: DISORDERED STEROIDOGENESIS DUE TO POR DEFICIENCY. Identifiers: Orphanet 95699, MedGen C1860042, MONDO:0013310, OMIM 613571.

Allele frequency attached by ClinVar (database versions not stated): gnomAD exomes 0.00007; ESP Exome Variant Server 0.00008; gnomAD 0.00009; TOPMed 0.00014.
gnomAD v4.1: 110 of 1,575,224 alleles (0.007%); highest among the groups gnomAD compares: Non-Finnish European, 0.0085%; no homozygotes.

Submission:

Labcorp Genetics (formerly Invitae), Labcorp
Classification: Uncertain significance for Congenital adrenal hyperplasia due to cytochrome P450 oxidoreductase deficiency. Last evaluated: 2022-06-24. Review status: criteria provided, single submitter. Criteria: Invitae Variant Classification Sherloc (09022015). Collection method: clinical testing. Allele origin: germline.
Comment: This sequence change replaces threonine, which is neutral and polar, with alanine, which is neutral and non-polar, at codon 180 of the POR protein (p.Thr180Ala). This variant is present in population databases (rs370747856, gnomAD 0.005%). This variant has not been reported in the literature in individuals affected with POR-related conditions. Algorithms developed to predict the effect of missense changes on protein structure and function are either unavailable or do not agree on the potential impact of this missense change (SIFT: "Deleterious"; PolyPhen-2: "Benign"; Align-GVGD: "Class C0"). In summary, the available evidence is currently insufficient to determine the role of this variant in disease. Therefore, it has been classified as a Variant of Uncertain Significance.

NM_001395413.1(POR):c.529A>G (p.Thr177Ala)

Gene: POR (cytochrome p450 oxidoreductase; plus strand). Cytogenetic location: 7q11.23.
Variant type: single nucleotide variant.
Coding change: c.529A>G on transcript NM_001395413.1 (MANE Select); coding-DNA position 529, A replaced by G.
Protein change: p.Thr177Ala; replaces threonine 177 with alanine.
Molecular consequence: missense variant.
Genome position (GRCh38, 1-based): chr7:75,981,069, A>G. VCF-style: chr7-75981069-A-G. GRCh37 (hg19) VCF-style: chr7-75610387-A-G.
Other names: c.538A>G, p.Thr180Ala (NM_000941.2, NM_000941.3); c.529A>G, p.Thr177Ala (NM_001367562.3, NM_001382657.2, NM_001382658.3 and 2 more transcripts); c.583A>G, p.Thr195Ala (NM_001382655.3); short protein forms T195A, T177A, T180A.
Identifiers: ClinVar variation 2048593 (VCV002048593.1), dbSNP rs370747856, ClinGen allele CA4303720.